The following is an entry in ClinVar:

ClinVar aggregate classification (germline): Uncertain significance (1 of 4 stars; one submission).

Conditions:
Hypertrophic cardiomyopathy 26. Also called: Cardiomyopathy, familial hypertrophic, 26. Identifiers: Orphanet 75249, MedGen C4310749, MONDO:0014883, OMIM 617047.
Myofibrillar myopathy 5. Also called: Filaminopathy (type); FILAMINOPATHY, AUTOSOMAL DOMINANT. Identifiers: Orphanet 171445, MedGen C1836050, MONDO:0012289, OMIM 609524.
Distal myopathy with posterior leg and anterior hand involvement. Also called: WILLIAMS DISTAL MYOPATHY. Identifiers: Orphanet 63273, MedGen C3279722, MONDO:0013550, OMIM 614065.

gnomAD v4.1: 1 of 1,609,824 alleles (0.000062%); highest among the groups gnomAD compares: Admixed American, 0.0017%; no homozygotes.

Submission:

Labcorp Genetics (formerly Invitae), Labcorp
Classification: Uncertain significance for Distal myopathy with posterior leg and anterior hand involvement; Myofibrillar myopathy 5; Hypertrophic cardiomyopathy 26. Last evaluated: 2025-01-22. Review status: criteria provided, single submitter. Criteria: Invitae Variant Classification Sherloc (09022015). Collection method: clinical testing. Allele origin: germline.
Comment: This sequence change replaces arginine, which is basic and polar, with histidine, which is basic and polar, at codon 109 of the FLNC protein (p.Arg109His). This variant is present in population databases (rs751493542, gnomAD 0.003%). This variant has not been reported in the literature in individuals affected with FLNC-related conditions. Invitae Evidence Modeling of protein sequence and biophysical properties (such as structural, functional, and spatial information, amino acid conservation, physicochemical variation, residue mobility, and thermodynamic stability) has been performed for this missense variant. However, the output from this modeling did not meet the statistical confidence thresholds required to predict the impact of this variant on FLNC protein function. In summary, the available evidence is currently insufficient to determine the role of this variant in disease. Therefore, it has been classified as a Variant of Uncertain Significance.

NM_001458.5(FLNC):c.326G>A (p.Arg109His)

Gene: FLNC (filamin C; plus strand). Cytogenetic location: 7q32.1.
Variant type: single nucleotide variant.
Coding change: c.326G>A on transcript NM_001458.5 (MANE Select); coding-DNA position 326, G replaced by A.
Protein change: p.Arg109His; replaces arginine 109 with histidine.
Molecular consequence: missense variant.
Genome position (GRCh38, 1-based): chr7:128,830,963, G>A. VCF-style: chr7-128830963-G-A. GRCh37 (hg19) VCF-style: chr7-128471017-G-A.
Other names: c.326G>A, p.Arg109His (NM_001127487.2); short protein forms R109H.
Identifiers: ClinVar variation 3748591 (VCV003748591.2).